The following is an entry in ClinVar:

ClinVar aggregate classification (germline): Uncertain significance (1 of 4 stars; one submission).

Allele frequency attached by ClinVar (database versions not stated): gnomAD 0.00001.
gnomAD v4.1: 7 of 1,613,934 alleles (0.00043%); highest among the groups gnomAD compares: African/African-American, 0.0013%; no homozygotes.

Submission:

Labcorp Genetics (formerly Invitae), Labcorp
Classification: Uncertain significance. Last evaluated: 2022-03-19. Review status: criteria provided, single submitter. Criteria: Invitae Variant Classification Sherloc (09022015). Collection method: clinical testing. Allele origin: germline.
Comment: This variant has not been reported in the literature in individuals affected with POGLUT1-related conditions. Algorithms developed to predict the effect of missense changes on protein structure and function are either unavailable or do not agree on the potential impact of this missense change (SIFT: "Not Available"; PolyPhen-2: "Probably Damaging"; Align-GVGD: "Not Available"). Algorithms developed to predict the effect of sequence changes on RNA splicing suggest that this variant may create or strengthen a splice site. In summary, the available evidence is currently insufficient to determine the role of this variant in disease. Therefore, it has been classified as a Variant of Uncertain Significance. This sequence change replaces serine, which is neutral and polar, with glycine, which is neutral and non-polar, at codon 151 of the POGLUT1 protein (p.Ser151Gly). This variant is present in population databases (no rsID available, gnomAD 0.002%).

NM_152305.3(POGLUT1):c.451A>G (p.Ser151Gly)

Gene: POGLUT1 (protein O-glucosyltransferase 1; plus strand). Cytogenetic location: 3q13.33.
Variant type: single nucleotide variant.
Coding change: c.451A>G on transcript NM_152305.3 (MANE Select); coding-DNA position 451, A replaced by G.
Protein change: p.Ser151Gly; replaces serine 151 with glycine.
Molecular consequence: missense variant. On other transcripts: non-coding transcript variant (1).
Genome position (GRCh38, 1-based): chr3:119,477,443, A>G. VCF-style: chr3-119477443-A-G. GRCh37 (hg19) VCF-style: chr3-119196290-A-G.
Other names: c.451A>G, p.Ser151Gly (NM_020231.3); short protein forms S151G.
Identifiers: ClinVar variation 1949539 (VCV001949539.5), dbSNP rs1447670807, ClinGen allele CA354041011.
Genomic context (GRCh38, chr3:119,477,443, plus strand): 5'-GTACGAGATTATCCTCAGGTTCCTAAATGGATGGAGCCTGCCATCCCAGTCTTCTCCTTC[A>G]GTAAGGTAAGTACAGGGAGAGCCACATGGGTGGATGGAGAGTGGTCCTCTAGGATATGAG-3'
Protein context (NP_689518.1, residues 141-161): MEPAIPVFSF[Ser151Gly]KTSEYHDIMY